The following is an entry in ClinVar:

ClinVar aggregate classification (germline): Benign/Likely benign. Review status: criteria provided, multiple submitters, no conflicts (2 of 4 stars). 3 submissions from 3 submitters: Benign (1); Likely benign (2). Last evaluated 2026-01-31.

Allele frequency attached by ClinVar (database versions not stated): gnomAD exomes 0.00020 and 0.00049; ExAC 0.00066; gnomAD 0.00199 and 0.00210; ESP Exome Variant Server 0.00208; TOPMed 0.00209; 1000 Genomes Project 0.00240; 1000 Genomes Project 30x 0.00297.
gnomAD v4.1: 589 of 1,613,760 alleles (0.036%); highest among the groups gnomAD compares: African/African-American, 0.73%; 3 homozygotes.

Submissions (8):

Labcorp Genetics (formerly Invitae), Labcorp
Classification: Benign. Last evaluated: 2026-01-31. Review status: criteria provided, single submitter. Criteria: Invitae Variant Classification Sherloc (09022015). Collection method: clinical testing. Allele origin: germline.

Blueprint Genetics
Classification: Likely benign. Last evaluated: 2024-09-13. Review status: criteria provided, single submitter. Criteria: ACMG Guidelines, 2015. Collection method: clinical testing. Allele origin: germline.

GeneDx
Classification: Likely benign. Last evaluated: 2018-04-27. Review status: criteria provided, single submitter. Criteria: GeneDx Variant Classification (06012015). Collection method: clinical testing. Allele origin: germline. Affected: yes.
Comment: This variant is considered likely benign or benign based on one or more of the following criteria: it is a conservative change, it occurs at a poorly conserved position in the protein, it is predicted to be benign by multiple in silico algorithms, and/or has population frequency not consistent with disease.

Dr. Peter K. Rogan Lab, Western University
No classification provided (evidence only). Condition: Lung cancer. Review status: no classification provided. Collection method: in vitro. Allele origin: not applicable. Functional consequence: skipped exon. Not counted in ClinVar's aggregate classification.

Dr. Peter K. Rogan Lab, Western University
No classification provided (evidence only). Condition: Familial cancer of breast. Review status: no classification provided. Collection method: in vitro. Allele origin: not applicable. Functional consequence: cryptic splice site. Not counted in ClinVar's aggregate classification.

Dr. Peter K. Rogan Lab, Western University
No classification provided (evidence only). Condition: Uterine corpus endometrial carcinoma. Review status: no classification provided. Collection method: in vitro. Allele origin: not applicable. Functional consequence: cryptic splice site, retained intron. Not counted in ClinVar's aggregate classification.

Dr. Peter K. Rogan Lab, Western University
No classification provided (evidence only). Condition: Sarcoma. Review status: no classification provided. Collection method: in vitro. Allele origin: not applicable. Functional consequence: cryptic splice site, skipped exon, retained intron. Not counted in ClinVar's aggregate classification.

Dr. Peter K. Rogan Lab, Western University
No classification provided (evidence only). Condition: Ovarian serous cystadenocarcinoma. Review status: no classification provided. Collection method: in vitro. Allele origin: not applicable. Functional consequence: retained intron. Not counted in ClinVar's aggregate classification.

NM_007103.4(NDUFV1):c.1162+19G>A

Genes: NDUFV1 (NADH:ubiquinone oxidoreductase core subunit V1; plus strand), LOC126861242 (CDK7 strongly-dependent group 2 enhancer GRCh37_chr11:67379204-67380403; plus strand). Cytogenetic location: 11q13.2.
Variant type: single nucleotide variant.
Coding change: c.1162+19G>A on transcript NM_007103.4 (MANE Select); 19 bases into the intron after coding-DNA position 1162, G replaced by A.
Molecular consequence: intron variant.
Genome position (GRCh38, 1-based): chr11:67,611,997, G>A. VCF-style: chr11-67611997-G-A. GRCh37 (hg19) VCF-style: chr11-67379468-G-A.
Other names: c.1135+19G>A (NM_001166102.2).
Identifiers: ClinVar variation 681938 (VCV000681938.11), dbSNP rs201909709, ClinGen allele CA6143419.